The following is an entry in ClinVar:

ClinVar aggregate classification (germline): Uncertain significance (1 of 4 stars; one submission).

Submission:

Women's Health and Genetics/Laboratory Corporation of America, LabCorp
Classification: Uncertain significance. Last evaluated: 2024-11-29. Review status: criteria provided, single submitter. Criteria: LabCorp Variant Classification Summary - May 2015. Collection method: clinical testing. Allele origin: germline.
Comment: Variant summary: ARID1B c.1229_1249dup21 (p.Gly410_Gly416dup) results in an in-frame duplication that is predicted to duplicate seven amino acids into the encoded protein. The variant was absent in 27508 control chromosomes. The available data on variant occurrences in the general population are insufficient to allow any conclusion about variant significance. To our knowledge, no occurrence of c.1229_1249dup21 in individuals affected with Coffin-Siris Syndrome 1 and no experimental evidence demonstrating its impact on protein function have been reported. No submitters have cited clinical-significance assessments for this variant to ClinVar. Based on the evidence outlined above, the variant was classified as uncertain significance.

NM_001374828.1(ARID1B):c.1229_1249dup (p.Gly416_Ala417insGlyGlyAlaGlyAlaGlyGly)

Gene: ARID1B (AT-rich interaction domain 1B; plus strand). Cytogenetic location: 6q25.3.
Variant type: Duplication.
Coding change: c.1229_1249dup on transcript NM_001374828.1 (MANE Select); coding-DNA positions 1229 to 1249, 21 bases duplicated (GAGGAGCAGGAGCAGGAGGAG).
Protein change: p.Gly416_Ala417insGlyGlyAlaGlyAlaGlyGly.
Molecular consequence: inframe insertion.
Genome position (GRCh38, 1-based): chr6:156,778,909-156,778,929, GAGGAGCAGGAGCAGGAGGAG duplicated; duplicating any 21 consecutive bases within chr6:156,778,901-156,778,929 gives the same sequence; the c. name uses the placement nearest the transcript's 3' end. VCF-style (leftmost placement, unchanged base first): chr6-156778900-G-GAGGAGGAGGAGGAGCAGGAGC. GRCh37 (hg19) VCF-style: chr6-157100034-G-GAGGAGGAGGAGGAGCAGGAGC.
Other names: c.1229_1249dup, p.Gly416_Ala417insGlyGlyAlaGlyAlaGlyGly (NM_001371656.1, NM_001374820.1, NM_017519.3); c.1229_1249dup21 (NM_001374828.1).
Identifiers: ClinVar variation 3629590 (VCV003629590.2).